The following is an entry in ClinVar:

NM_001014342.3(FLG2):c.2837T>C (p.Phe946Ser)

Genes: CCDST (cervical cancer associated DHX9 suppressive transcript; plus strand), FLG2 (filaggrin 2; minus strand). Cytogenetic location: 1q21.3.
Variant type: single nucleotide variant.
Coding change: c.2837T>C on transcript NM_001014342.3 (MANE Select); coding-DNA position 2837, T replaced by C.
Protein change: p.Phe946Ser; replaces phenylalanine 946 with serine.
Molecular consequence: missense variant.
Genome position (GRCh38, 1-based): chr1:152,354,949, A>G on the plus strand (T>C on the coding strand, the complement: FLG2 is on the minus strand). VCF-style: chr1-152354949-A-G. GRCh37 (hg19) VCF-style: chr1-152327425-A-G.
Other names: short protein forms F946S.
Identifiers: ClinVar variation 2347191 (VCV002347191.3), dbSNP rs746313861, ClinGen allele CA1109033.

ClinVar aggregate classification (germline): Benign/Likely benign. Review status: criteria provided, multiple submitters, no conflicts (2 of 4 stars). 2 submissions from 2 submitters: Benign (1); Likely benign (1). Last evaluated 2025-02-07.

Conditions:
Peeling skin syndrome 6 (PSS6). Identifiers: MedGen C4748093, MONDO:0054852, OMIM 618084.

Allele frequency attached by ClinVar (database versions not stated): ExAC 0.00001; 1000 Genomes Project 30x 0.00047.

Submissions (2):

Mendelics
Classification: Benign for Peeling skin syndrome 6. Last evaluated: 2025-02-07. Review status: criteria provided, single submitter. Criteria: ACMG Guidelines, 2015. Collection method: clinical testing. Allele origin: unknown.
Comment: This variant is considered likely benign or benign based on one or more of the following: it is predicted to be benign by multiple in silico algorithms, and/or has population frequency not consistent with disease, and/or has normal protein function, and/or has lack of segregation with disease, and/or has been detected in co-occurrence with known pathogenic variant, and/or has lack of disease association in case-control studies, and/or is located in a region inconsistent with a known cause of pathogenicity. GnomAD 4.1.0 frequency 0.0001432 0 homozygotes. Predictors: benign. Frequency in internal database for tests positives for other diseases.

Ambry Genetics
Classification: Likely benign. Last evaluated: 2022-12-01. Review status: criteria provided, single submitter. Criteria: Ambry Variant Classification Scheme 2023. Collection method: clinical testing. Allele origin: germline.